The following is an entry in ClinVar:

ClinVar aggregate classification (germline): Uncertain significance (1 of 4 stars; one submission).

Conditions:
Hearing loss, autosomal dominant 80. Also called: DEAFNESS, AUTOSOMAL DOMINANT 80. Identifiers: MedGen C5543289, MONDO:0030998, OMIM 619274.
Renal hypodysplasia/aplasia 3 (RHDA3). Identifiers: MedGen C4540497, MONDO:0024520, OMIM 617805.

gnomAD v4.1: 4 of 1,549,092 alleles (0.00026%); highest among the groups gnomAD compares: East Asian, 0.0049%; no homozygotes.

Submission:

Juno Genomics, Hangzhou Juno Genomics, Inc
Classification: Uncertain significance for Hearing loss, autosomal dominant 80; Renal hypodysplasia/aplasia 3. Review status: criteria provided, single submitter. Criteria: ACMG Guidelines, 2015. Collection method: clinical testing. Allele origin: germline.
Comment: Absent from controls (or at extremely low frequency if recessive) in Genome Aggregation Database.;Missense variant in a gene that has a low rate of benign missense variation.

NM_001142966.3(GREB1L):c.4060G>C (p.Glu1354Gln)

Gene: GREB1L (GREB1 like retinoic acid receptor coactivator; plus strand). Cytogenetic location: 18q11.2.
Variant type: single nucleotide variant.
Coding change: c.4060G>C on transcript NM_001142966.3 (MANE Select); coding-DNA position 4060, G replaced by C.
Protein change: p.Glu1354Gln; replaces glutamic acid 1354 with glutamine.
Molecular consequence: missense variant.
Genome position (GRCh38, 1-based): chr18:21,500,630, G>C. VCF-style: chr18-21500630-G-C. GRCh37 (hg19) VCF-style: chr18-19080591-G-C.
Other names: c.3733G>C, p.Glu1245Gln (NM_001410868.1); c.4189G>C, p.Glu1397Gln (NM_001410867.1); short protein forms E1354Q, E1245Q, E1397Q.
Identifiers: ClinVar variation 5005864 (VCV005005864.2).